The following is an entry in ClinVar:

NM_001135629.3(PPP1R21):c.748-9A>G

Gene: PPP1R21 (protein phosphatase 1 regulatory subunit 21; plus strand). Cytogenetic location: 2p16.3.
Variant type: single nucleotide variant.
Coding change: c.748-9A>G on transcript NM_001135629.3 (MANE Select); 9 bases into the intron before coding-DNA position 748, A replaced by G.
Molecular consequence: intron variant.
Genome position (GRCh38, 1-based): chr2:48,465,484, A>G. VCF-style: chr2-48465484-A-G. GRCh37 (hg19) VCF-style: chr2-48692623-A-G.
Other names: c.748-9A>G (NM_152994.5, NM_001193475.2).
Identifiers: ClinVar variation 3345217 (VCV003345217.1).

ClinVar aggregate classification (germline): Likely benign (0 of 4 stars; one submission).

Conditions:
PPP1R21-related disorder. Also called: PPP1R21-related condition.

gnomAD v4.1: 13 of 1,601,104 alleles (0.00081%); highest among the groups gnomAD compares: Non-Finnish European, 0.0011%; no homozygotes.

Submission:

PreventionGenetics, part of Exact Sciences
Classification: Likely benign for PPP1R21-related condition. Last evaluated: 2024-08-20. Review status: no assertion criteria provided. Collection method: clinical testing. Allele origin: germline.
Comment: This variant is classified as likely benign based on ACMG/AMP sequence variant interpretation guidelines (Richards et al. 2015 PMID: 25741868, with internal and published modifications).